The following is an entry in ClinVar:

ClinVar aggregate classification (germline): Uncertain significance (1 of 4 stars; one submission).

Conditions:
Niemann-Pick disease, type C1. Also called: NIEMANN-PICK DISEASE, VARIANT TYPE C1; NEUROVISCERAL STORAGE DISEASE WITH VERTICAL SUPRANUCLEAR OPHTHALMOPLEGIA; NIEMANN-PICK DISEASE WITH CHOLESTEROL ESTERIFICATION BLOCK; NIEMANN-PICK DISEASE WITHOUT SPHINGOMYELINASE DEFICIENCY; NIEMANN-PICK DISEASE, CHRONIC NEURONOPATHIC FORM. Identifiers: Orphanet 646, MedGen C3179455, MONDO:0009757, OMIM 257220.

Submission:

Labcorp Genetics (formerly Invitae), Labcorp
Classification: Uncertain significance for Niemann-Pick disease, type C1. Last evaluated: 2025-12-01. Review status: criteria provided, single submitter. Criteria: Invitae Variant Classification Sherloc (09022015). Collection method: clinical testing. Allele origin: germline.
Comment: This sequence change replaces isoleucine, which is neutral and non-polar, with threonine, which is neutral and polar, at codon 787 of the NPC1 protein (p.Ile787Thr). This variant is not present in population databases (gnomAD no frequency). This variant has not been reported in the literature in individuals affected with NPC1-related conditions. ClinVar contains an entry for this variant (Variation ID: 2055879). Invitae Evidence Modeling of protein sequence and biophysical properties (such as structural, functional, and spatial information, amino acid conservation, physicochemical variation, residue mobility, and thermodynamic stability) indicates that this missense variant is not expected to disrupt NPC1 protein function with a negative predictive value of 95%. In summary, the available evidence is currently insufficient to determine the role of this variant in disease. Therefore, it has been classified as a Variant of Uncertain Significance.

NM_000271.5(NPC1):c.2360T>C (p.Ile787Thr)

Gene: NPC1 (NPC intracellular cholesterol transporter 1; minus strand). Cytogenetic location: 18q11.2.
Variant type: single nucleotide variant.
Coding change: c.2360T>C on transcript NM_000271.5 (MANE Select); coding-DNA position 2360, T replaced by C.
Protein change: p.Ile787Thr; replaces isoleucine 787 with threonine.
Molecular consequence: missense variant.
Genome position (GRCh38, 1-based): chr18:23,541,319, A>G on the plus strand (T>C on the coding strand, the complement: NPC1 is on the minus strand). VCF-style: chr18-23541319-A-G. GRCh37 (hg19) VCF-style: chr18-21121283-A-G.
Other names: short protein forms I787T.
Identifiers: ClinVar variation 2055879 (VCV002055879.4), dbSNP rs2511222269, ClinGen allele CA401793608.